The following is an entry in ClinVar:

ClinVar aggregate classification (germline): Uncertain significance (1 of 4 stars; one submission).

Submission:

Labcorp Genetics (formerly Invitae), Labcorp
Classification: Uncertain significance. Last evaluated: 2025-01-06. Review status: criteria provided, single submitter. Criteria: Invitae Variant Classification Sherloc (09022015). Collection method: clinical testing. Allele origin: germline.
Comment: This sequence change replaces proline, which is neutral and non-polar, with threonine, which is neutral and polar, at codon 1563 of the PTPN23 protein (p.Pro1563Thr). This variant is not present in population databases (gnomAD no frequency). This variant has not been reported in the literature in individuals affected with PTPN23-related conditions. ClinVar contains an entry for this variant (Variation ID: 1429595). Experimental studies and prediction algorithms are not available or were not evaluated, and the functional significance of this variant is currently unknown. In summary, the available evidence is currently insufficient to determine the role of this variant in disease. Therefore, it has been classified as a Variant of Uncertain Significance.

NM_015466.4(PTPN23):c.4687C>A (p.Pro1563Thr)

Gene: PTPN23 (protein tyrosine phosphatase non-receptor type 23; plus strand). Cytogenetic location: 3p21.31.
Variant type: single nucleotide variant.
Coding change: c.4687C>A on transcript NM_015466.4 (MANE Select); coding-DNA position 4687, C replaced by A.
Protein change: p.Pro1563Thr; replaces proline 1563 with threonine.
Molecular consequence: missense variant.
Genome position (GRCh38, 1-based): chr3:47,412,961, C>A. VCF-style: chr3-47412961-C-A. GRCh37 (hg19) VCF-style: chr3-47454451-C-A.
Other names: c.4309C>A, p.Pro1437Thr (NM_001304482.2); short protein forms P1437T, P1563T.
Identifiers: ClinVar variation 1429595 (VCV001429595.8), dbSNP rs1705363876, ClinGen allele CA352568337.